The following is an entry in ClinVar:

ClinVar aggregate classification (germline): Uncertain significance (1 of 4 stars; one submission).

Conditions:
ASH1L-related disorder. Also called: ASH1L-related condition.

gnomAD v4.1: 3 of 1,614,184 alleles (0.00019%); highest among the groups gnomAD compares: Non-Finnish European, 0.00025%; no homozygotes.

Submission:

PreventionGenetics, part of Exact Sciences
Classification: Uncertain significance for ASH1L-related condition. Last evaluated: 2025-02-18. Review status: criteria provided, single submitter. Criteria: ACMG Guidelines, 2015. Collection method: clinical testing. Allele origin: germline.
Comment: The ASH1L c.7583G>C variant is predicted to result in the amino acid substitution p.Gly2528Ala. To our knowledge, this variant has not been reported in the literature. This variant is reported in 0.0015% of alleles in individuals of European (Non-Finnish) descent in gnomAD. At this time, the clinical significance of this variant is uncertain due to the absence of conclusive functional and genetic evidence.

NM_018489.3(ASH1L):c.7583G>C (p.Gly2528Ala)

Gene: ASH1L (ASH1 like histone lysine methyltransferase; minus strand). Cytogenetic location: 1q22.
Variant type: single nucleotide variant.
Coding change: c.7583G>C on transcript NM_018489.3 (MANE Select); coding-DNA position 7583, G replaced by C.
Protein change: p.Gly2528Ala; replaces glycine 2528 with alanine.
Molecular consequence: missense variant.
Genome position (GRCh38, 1-based): chr1:155,347,876, C>G on the plus strand (G>C on the coding strand, the complement: ASH1L is on the minus strand). VCF-style: chr1-155347876-C-G. GRCh37 (hg19) VCF-style: chr1-155317667-C-G.
Other names: c.7598G>C, p.Gly2533Ala (NM_001366177.2); short protein forms G2533A, G2528A.
Identifiers: ClinVar variation 4997394 (VCV004997394.1).